The following is an entry in ClinVar:

ClinVar aggregate classification (germline): Uncertain significance (1 of 4 stars; one submission).

Allele frequency attached by ClinVar (database versions not stated): TOPMed below 0.00001; ExAC 0.00001.

Submissions (2):

Labcorp Genetics (formerly Invitae), Labcorp
Classification: Uncertain significance. Last evaluated: 2022-06-12. Review status: criteria provided, single submitter. Criteria: Invitae Variant Classification Sherloc (09022015). Collection method: clinical testing. Allele origin: germline.
Comment: This variant is present in population databases (rs779204285, gnomAD 0.0009%). In summary, the available evidence is currently insufficient to determine the role of this variant in disease. Therefore, it has been classified as a Variant of Uncertain Significance. Algorithms developed to predict the effect of missense changes on protein structure and function (SIFT, PolyPhen-2, Align-GVGD) all suggest that this variant is likely to be disruptive. This variant has not been reported in the literature in individuals affected with PKDCC-related conditions. This sequence change replaces alanine, which is neutral and non-polar, with glycine, which is neutral and non-polar, at codon 443 of the PKDCC protein (p.Ala443Gly).

Dr. Peter K. Rogan Lab, Western University
No classification provided (evidence only). Condition: Gastric cancer. Review status: no classification provided. Collection method: in vitro. Allele origin: not applicable. Functional consequence: retained intron. Not counted in ClinVar's aggregate classification.

NM_138370.3(PKDCC):c.1328C>G (p.Ala443Gly)

Gene: PKDCC (protein kinase domain containing, cytoplasmic; plus strand). Cytogenetic location: 2p21.
Variant type: single nucleotide variant.
Coding change: c.1328C>G on transcript NM_138370.3 (MANE Select); coding-DNA position 1328, C replaced by G.
Protein change: p.Ala443Gly; replaces alanine 443 with glycine.
Molecular consequence: missense variant.
Genome position (GRCh38, 1-based): chr2:42,057,326, C>G. VCF-style: chr2-42057326-C-G. GRCh37 (hg19) VCF-style: chr2-42284466-C-G.
Other names: short protein forms A443G.
Identifiers: ClinVar variation 2005315 (VCV002005315.5), dbSNP rs779204285, ClinGen allele CA1628216.